The following is an entry in ClinVar:

ClinVar aggregate classification (germline): Conflicting classifications of pathogenicity. Review status: criteria provided, conflicting classifications (1 of 4 stars). 5 submissions from 5 submitters: Uncertain significance (3); Likely benign (2). Last evaluated 2025-06-12.

Conditions:
Inborn genetic diseases. Identifiers: MedGen C0950123, MeSH D030342.
Oculotrichoanal syndrome (MOTA). Also called: MARLES SYNDROME; Manitoba Oculotrichoanal (MOTA) Syndrome. Identifiers: Orphanet 2717, MedGen C1855425, MONDO:0009560, OMIM 248450.

Allele frequency attached by ClinVar (database versions not stated): gnomAD 0.00011 and 0.00014; ExAC 0.00012; ESP Exome Variant Server 0.00025; TOPMed 0.00009; gnomAD exomes 0.00010.
gnomAD v4.1: 155 of 1,613,700 alleles (0.0096%); highest among the groups gnomAD compares: Middle Eastern, 0.12%; no homozygotes.

Submissions (5):

Labcorp Genetics (formerly Invitae), Labcorp
Classification: Uncertain significance. Last evaluated: 2025-06-12. Review status: criteria provided, single submitter. Criteria: Invitae Variant Classification Sherloc (09022015). Collection method: clinical testing. Allele origin: germline.
Comment: This sequence change replaces alanine, which is neutral and non-polar, with valine, which is neutral and non-polar, at codon 178 of the FREM1 protein (p.Ala178Val). This variant is present in population databases (rs201834847, gnomAD 0.03%). This variant has not been reported in the literature in individuals affected with FREM1-related conditions. ClinVar contains an entry for this variant (Variation ID: 366170). Invitae Evidence Modeling of protein sequence and biophysical properties (such as structural, functional, and spatial information, amino acid conservation, physicochemical variation, residue mobility, and thermodynamic stability) indicates that this missense variant is not expected to disrupt FREM1 protein function with a negative predictive value of 80%. In summary, the available evidence is currently insufficient to determine the role of this variant in disease. Therefore, it has been classified as a Variant of Uncertain Significance.

Blueprint Genetics
Classification: Likely benign. Last evaluated: 2024-09-19. Review status: criteria provided, single submitter. Criteria: ACMG Guidelines, 2015. Collection method: clinical testing. Allele origin: germline.

Ambry Genetics
Classification: Likely benign for Inborn genetic diseases. Last evaluated: 2021-08-12. Review status: criteria provided, single submitter. Criteria: Ambry Variant Classification Scheme 2023. Collection method: clinical testing. Allele origin: germline.

Illumina Laboratory Services, Illumina
Classification: Uncertain significance for Oculotrichoanal syndrome. Last evaluated: 2018-01-13. Review status: criteria provided, single submitter. Criteria: ICSL Variant Classification Criteria 13 December 2019. Collection method: clinical testing. Allele origin: germline.

Breakthrough Genomics
Classification: Uncertain significance. Review status: criteria provided, single submitter. Criteria: ACMG Guidelines, 2015. Collection method: not provided. Allele origin: germline. Inheritance: Autosomal recessive inheritance. Affected: yes.

NM_001379081.2(FREM1):c.533C>T (p.Ala178Val)

Gene: FREM1 (FRAS1 related extracellular matrix 1; minus strand). Cytogenetic location: 9p22.3.
Variant type: single nucleotide variant.
Coding change: c.533C>T on transcript NM_001379081.2 (MANE Select); coding-DNA position 533, C replaced by T.
Protein change: p.Ala178Val; replaces alanine 178 with valine.
Molecular consequence: missense variant. On other transcripts: non-coding transcript variant (4).
Genome position (GRCh38, 1-based): chr9:14,859,281, G>A on the plus strand (C>T on the coding strand, the complement: FREM1 is on the minus strand). VCF-style: chr9-14859281-G-A. GRCh37 (hg19) VCF-style: chr9-14859279-G-A.
Other names: c.533C>T, p.Ala178Val (NM_001370060.1, NM_001370063.1, NM_001370065.1 and 1 more transcripts); short protein forms A178V.
Identifiers: ClinVar variation 366170 (VCV000366170.11), dbSNP rs201834847, ClinGen allele CA4991544.